The following is an entry in ClinVar:

NM_000092.5(COL4A4):c.2420del (p.Gly807fs)

Gene: COL4A4 (collagen type IV alpha 4 chain; minus strand). Cytogenetic location: 2q36.3.
Variant type: Deletion.
Coding change: c.2420del on transcript NM_000092.5 (MANE Select); coding-DNA position 2420, one base deleted (G; older notation c.2420delG).
Protein change: p.Gly807fs; shifts the reading frame from glycine 807.
Molecular consequence: frameshift variant.
Genome position (GRCh38, 1-based): chr2:227,057,564, C deleted on the plus strand (G on the coding strand, the reverse complement: COL4A4 is on the minus strand); the first of 2 consecutive C bases (chr2:227,057,564-227,057,565); deleting either gives the same sequence. VCF-style (leftmost placement, unchanged base first): chr2-227057563-AC-A. GRCh37 (hg19) VCF-style: chr2-227922279-AC-A.
Other names: p.Gly807Valfs*62; c.2420delG (NM_000092.4); c.2420del (NM_000092.4); short protein forms G807fs.
Identifiers: ClinVar variation 191313 (VCV000191313.7), dbSNP rs786205640, ClinGen allele CA236427.

ClinVar aggregate classification (germline): Conflicting classifications of pathogenicity. Review status: criteria provided, conflicting classifications (1 of 4 stars). 5 submissions from 4 submitters: Pathogenic (3); Uncertain significance (1). 1 of the submissions does not count toward it. Last evaluated 2025-11-30.

Conditions:
Autosomal recessive Alport syndrome (ATS2). Also called: ALPORT SYNDROME 2, AUTOSOMAL RECESSIVE; Alport syndrome type 2; COL4A3-Related Nephropathy; COL4A4 Alport Syndrome and Thin Basement Membrane Nephropathy. Identifiers: Orphanet 63, Orphanet 88919, MedGen C4746745, MONDO:0008762, OMIM 203780.

Submissions (5):

GeneDx
Classification: Pathogenic. Last evaluated: 2025-11-30. Review status: criteria provided, single submitter. Criteria: GeneDx Variant Classification Process June 2021. Collection method: clinical testing. Allele origin: germline. Affected: yes.
Comment: Identified in patients with autosomal recessive Alport syndrome when present in the homozygous state or when in trans with another disease-causing variant; heterozygous family members have considerable phenotypic variability, ranging from intermittent hematuria to late onset end stage renal disease (PMID: 23551117, 24398087); Frameshift variant predicted to result in protein truncation or nonsense mediated decay in a gene for which loss of function is a known mechanism of disease; Not observed at significant frequency in large population cohorts (gnomAD); This variant is associated with the following publications: (PMID: 24398087, 23551117, 32647767, 36177613)

Genomic Medicine Center of Excellence, King Faisal Specialist Hospital and Research Centre
Classification: Uncertain significance for Autosomal recessive Alport syndrome. Last evaluated: 2024-03-26. Review status: criteria provided, single submitter. Criteria: ACMG Guidelines, 2015. Collection method: clinical testing. Allele origin: germline.

Mayo Clinic Laboratories, Mayo Clinic
Classification: Pathogenic. Last evaluated: 2023-09-26. Review status: criteria provided, single submitter. Criteria: ACMG Guidelines, 2015. Collection method: clinical testing. Allele origin: germline. Observed: 1 variant allele.
Comment: PP1_strong, PM2, PM3, PS4_moderate, PVS1

3billion
Classification: Pathogenic for Autosomal recessive Alport syndrome. Last evaluated: 2022-01-03. Review status: criteria provided, single submitter. Criteria: ACMG Guidelines, 2015. Collection method: clinical testing. Allele origin: germline. Affected: yes. Observed: 1 heterozygote.
Comment: Frameshift: predicted to result in a loss or disruption of normal protein function through nonsense-mediated decay (NMD) or protein truncation. Multiple pathogenic variants are reported downstream of the variant (PVS1_VS). The variant has been reported at least twice as pathogenic/likely pathogenic with clinical assertions and evidence for the classification (ClinVar ID: VCV000191313, PMID:23551117). It is not observed in the gnomAD v2.1.1 dataset (PM2_M). Therefore, this variant is classified as pathogenic according to the recommendation of ACMG/AMP guideline.

Genomic Medicine Center of Excellence, King Faisal Specialist Hospital and Research Centre
Classification: Likely pathogenic. Review status: flagged submission. Criteria: ACMG Guidelines, 2015. Collection method: research. Allele origin: germline. Affected: yes. Not counted in ClinVar's aggregate classification.
ClinVar note: Reason: This record appears to be redundant with a more recent record from the same submitter.
ClinVar note: Notes: SCV000221704 appears to be redundant with SCV004807138.

Literature cited by the submitters: PubMed 23551117 (cited by Mayo Clinic Laboratories, Mayo Clinic and 3billion); PubMed 24398087 (cited by Mayo Clinic Laboratories, Mayo Clinic); PubMed 32647767 (cited by Mayo Clinic Laboratories, Mayo Clinic).